The following is an entry in ClinVar:

ClinVar aggregate classification (germline): Uncertain significance. Review status: criteria provided, multiple submitters, no conflicts (2 of 4 stars). 2 submissions from 2 submitters: Uncertain significance (2). Last evaluated 2025-04-01.

Conditions:
Early-infantile DEE. Also called: Early infantile epileptic encephalopathy with suppression bursts; Early infantile epileptic encephalopathy; Ohtahara syndrome. Identifiers: Orphanet 1934, MedGen C0393706, MONDO:0800491.

Allele frequency attached by ClinVar (database versions not stated): gnomAD exomes 0.00002 and 0.00003; TOPMed 0.00002; ExAC 0.00003; gnomAD 0.00003 and 0.00004.

Submissions (2):

Ambry Genetics
Classification: Uncertain significance. Last evaluated: 2025-04-01. Review status: criteria provided, single submitter. Criteria: Ambry Variant Classification Scheme 2023. Collection method: clinical testing. Allele origin: germline.

Labcorp Genetics (formerly Invitae), Labcorp
Classification: Uncertain significance for Early-infantile DEE. Last evaluated: 2022-10-14. Review status: criteria provided, single submitter. Criteria: Invitae Variant Classification Sherloc (09022015). Collection method: clinical testing. Allele origin: germline.
Comment: In summary, the available evidence is currently insufficient to determine the role of this variant in disease. Therefore, it has been classified as a Variant of Uncertain Significance. Algorithms developed to predict the effect of missense changes on protein structure and function (SIFT, PolyPhen-2, Align-GVGD) all suggest that this variant is likely to be disruptive. ClinVar contains an entry for this variant (Variation ID: 1362133). This variant has not been reported in the literature in individuals affected with ARHGEF15-related conditions. This variant is present in population databases (rs775334628, gnomAD 0.005%). This sequence change replaces arginine, which is basic and polar, with tryptophan, which is neutral and slightly polar, at codon 240 of the ARHGEF15 protein (p.Arg240Trp).

NM_173728.4(ARHGEF15):c.718C>T (p.Arg240Trp)

Gene: ARHGEF15 (Rho guanine nucleotide exchange factor 15; plus strand). Cytogenetic location: 17p13.1.
Variant type: single nucleotide variant.
Coding change: c.718C>T on transcript NM_173728.4 (MANE Select); coding-DNA position 718, C replaced by T.
Protein change: p.Arg240Trp; replaces arginine 240 with tryptophan.
Molecular consequence: missense variant.
Genome position (GRCh38, 1-based): chr17:8,313,038, C>T. VCF-style: chr17-8313038-C-T. GRCh37 (hg19) VCF-style: chr17-8216356-C-T.
Other names: c.718C>T (NM_173728.3); c.718C>T, p.Arg240Trp (NM_025014.2); short protein forms R240W.
Identifiers: ClinVar variation 1362133 (VCV001362133.10), dbSNP rs775334628, ClinGen allele CA8374964.